The following is an entry in ClinVar:

ClinVar aggregate classification (germline): Likely benign (0 of 4 stars; one submission).

Conditions:
CYP1A1-related disorder. Also called: CYP1A1-related condition.

Allele frequency attached by ClinVar (database versions not stated): 1000 Genomes Project 0.00060; ExAC 0.00095; gnomAD 0.00105; TOPMed 0.00111; gnomAD exomes 0.00140; ESP Exome Variant Server 0.00192.

Submission:

PreventionGenetics, part of Exact Sciences
Classification: Likely benign for CYP1A1-related condition. Last evaluated: 2022-07-14. Review status: no assertion criteria provided. Collection method: clinical testing. Allele origin: germline.
Comment: This variant is classified as likely benign based on ACMG/AMP sequence variant interpretation guidelines (Richards et al. 2015 PMID: 25741868, with internal and published modifications).

NM_001319217.2(CYP1A1):c.1371del (p.Lys456_Cys457insTer)

Gene: CYP1A1 (cytochrome P450 family 1 subfamily A member 1; minus strand). Cytogenetic location: 15q24.1.
Variant type: Deletion.
Coding change: c.1371del on transcript NM_001319217.2 (MANE Select); coding-DNA position 1371, one base deleted (T; older notation c.1371delT).
Protein change: p.Lys456_Cys457insTer.
Molecular consequence: nonsense.
Genome position (GRCh38, 1-based): chr15:74,720,657, A deleted on the plus strand (T on the coding strand, the reverse complement: CYP1A1 is on the minus strand). VCF-style (leftmost placement, unchanged base first): chr15-74720656-TA-T. GRCh37 (hg19) VCF-style: chr15-75012997-TA-T.
Other names: c.1371del, p.Lys456_Cys457insTer (NM_000499.5); c.1284del, p.Lys427_Cys428insTer (NM_001319216.2).
Identifiers: ClinVar variation 3048416 (VCV003048416.2), dbSNP rs561096394, ClinGen allele CA7659246.